The following is an entry in ClinVar:

NM_001036.6(RYR3):c.860G>A (p.Arg287Gln)

Gene: RYR3 (ryanodine receptor 3; plus strand). Cytogenetic location: 15q14.
Variant type: single nucleotide variant.
Coding change: c.860G>A on transcript NM_001036.6 (MANE Select); coding-DNA position 860, G replaced by A.
Protein change: p.Arg287Gln; replaces arginine 287 with glutamine.
Molecular consequence: missense variant.
Genome position (GRCh38, 1-based): chr15:33,550,204, G>A. VCF-style: chr15-33550204-G-A. GRCh37 (hg19) VCF-style: chr15-33842405-G-A.
Other names: c.860G>A, p.Arg287Gln (NM_001243996.4); c.860G>A (NM_001036.3); short protein forms R287Q.
Identifiers: ClinVar variation 840279 (VCV000840279.7), dbSNP rs553041018, ClinGen allele CA7457959.

ClinVar aggregate classification (germline): Uncertain significance. Review status: criteria provided, multiple submitters, no conflicts (2 of 4 stars). 2 submissions from 2 submitters: Uncertain significance (2). Last evaluated 2024-10-07.

Conditions:
Epileptic encephalopathy. Identifiers: MedGen C0543888, HP:0200134.

Allele frequency attached by ClinVar (database versions not stated): gnomAD 0.00003 and 0.00007; TOPMed 0.00003; gnomAD exomes 0.00006 and 0.00012; ExAC 0.00010; 1000 Genomes Project 30x 0.00016; 1000 Genomes Project 0.00020.

Submissions (2):

Ambry Genetics
Classification: Uncertain significance. Last evaluated: 2024-10-07. Review status: criteria provided, single submitter. Criteria: Ambry Variant Classification Scheme 2023. Collection method: clinical testing. Allele origin: germline.

Labcorp Genetics (formerly Invitae), Labcorp
Classification: Uncertain significance for Epileptic encephalopathy. Last evaluated: 2021-08-13. Review status: criteria provided, single submitter. Criteria: Invitae Variant Classification Sherloc (09022015). Collection method: clinical testing. Allele origin: germline.
Comment: This sequence change replaces arginine with glutamine at codon 287 of the RYR3 protein (p.Arg287Gln). The arginine residue is highly conserved and there is a small physicochemical difference between arginine and glutamine. This variant is present in population databases (rs553041018, ExAC 0.06%). This variant has not been reported in the literature in individuals affected with RYR3-related conditions. Algorithms developed to predict the effect of missense changes on protein structure and function are either unavailable or do not agree on the potential impact of this missense change (SIFT: "Deleterious"; PolyPhen-2: "Probably Damaging"; Align-GVGD: "Class C0"). Algorithms developed to predict the effect of sequence changes on RNA splicing suggest that this variant may create or strengthen a splice site. In summary, the available evidence is currently insufficient to determine the role of this variant in disease. Therefore, it has been classified as a Variant of Uncertain Significance.